The following is an entry in ClinVar:

NM_004722.4(AP4M1):c.1294G>A (p.Gly432Ser)

Gene: AP4M1 (adaptor related protein complex 4 subunit mu 1; plus strand). Cytogenetic location: 7q22.1.
Variant type: single nucleotide variant.
Coding change: c.1294G>A on transcript NM_004722.4 (MANE Select); coding-DNA position 1294, G replaced by A.
Protein change: p.Gly432Ser; replaces glycine 432 with serine.
Molecular consequence: missense variant.
Genome position (GRCh38, 1-based): chr7:100,106,814, G>A. VCF-style: chr7-100106814-G-A. GRCh37 (hg19) VCF-style: chr7-99704437-G-A.
Other names: c.1315G>A, p.Gly439Ser (NM_001363671.2); short protein forms G432S, G439S.
Identifiers: ClinVar variation 434247 (VCV000434247.15), dbSNP rs751435731, ClinGen allele CA4375059.
Genomic context (GRCh38, chr7:100,106,814, plus strand): 5'-CCCCGGCACACGTGCTCTGGCCTCCAGGTCCGATTCCTCAGGCTGGCCTTCAGGCCATGC[G>A]GCAATGCCAACCCCCACAAGTGGGTGCGACACCTAAGCCACAGCGACGCCTATGTCATTC-3'
Protein context (NP_004713.2, residues 422-442): RFLRLAFRPC[Gly432Ser]NANPHKWVRH

ClinVar aggregate classification (germline): Uncertain significance. Review status: criteria provided, multiple submitters, no conflicts (2 of 4 stars). 4 submissions from 4 submitters: Uncertain significance (4). Last evaluated 2025-12-01.

Conditions:
Inborn genetic diseases. Identifiers: MedGen C0950123, MeSH D030342.
Hereditary spastic paraplegia 50 (SPG50). Also called: Spastic paraplegia 50, autosomal recessive. Identifiers: Orphanet 280763, MedGen C2752008, MONDO:0013048, OMIM 612936.
Hereditary spastic paraplegia. Also called: Familial spastic paraparesis. Identifiers: Orphanet 685, MedGen C0037773, MONDO:0019064. Disease mechanism: loss of function.

Allele frequency attached by ClinVar (database versions not stated): gnomAD 0.00003; gnomAD exomes 0.00003 and 0.00004; TOPMed 0.00005; ExAC 0.00006.
gnomAD v4.1: 44 of 1,613,896 alleles (0.0027%); highest among the groups gnomAD compares: African/African-American, 0.0053%; no homozygotes.

Submissions (4):

Labcorp Genetics (formerly Invitae), Labcorp
Classification: Uncertain significance for Hereditary spastic paraplegia 50. Last evaluated: 2025-12-01. Review status: criteria provided, single submitter. Criteria: Invitae Variant Classification Sherloc (09022015). Collection method: clinical testing. Allele origin: germline.
Comment: This sequence change replaces glycine, which is neutral and non-polar, with serine, which is neutral and polar, at codon 432 of the AP4M1 protein (p.Gly432Ser). This variant is present in population databases (rs751435731, gnomAD 0.009%). This variant has not been reported in the literature in individuals affected with AP4M1-related conditions. ClinVar contains an entry for this variant (Variation ID: 434247). Invitae Evidence Modeling of protein sequence and biophysical properties (such as structural, functional, and spatial information, amino acid conservation, physicochemical variation, residue mobility, and thermodynamic stability) indicates that this missense variant is not expected to disrupt AP4M1 protein function with a negative predictive value of 95%. In summary, the available evidence is currently insufficient to determine the role of this variant in disease. Therefore, it has been classified as a Variant of Uncertain Significance.

Ambry Genetics
Classification: Uncertain significance for Inborn genetic diseases. Last evaluated: 2023-10-05. Review status: criteria provided, single submitter. Criteria: Ambry Variant Classification Scheme 2023. Collection method: clinical testing. Allele origin: germline.

Genome Diagnostics Laboratory, The Hospital for Sick Children
Classification: Uncertain significance for Hereditary spastic paraplegia. Last evaluated: 2018-06-01. Review status: criteria provided, single submitter. Criteria: ACMG Guidelines, 2015. Collection method: clinical testing. Allele origin: germline. Affected: yes.

Genetic Services Laboratory, University of Chicago
Classification: Uncertain significance. Last evaluated: 2016-03-04. Review status: criteria provided, single submitter. Criteria: ACMG Guidelines, 2015. Collection method: clinical testing. Allele origin: germline. Affected: no.